The following is an entry in ClinVar:

ClinVar aggregate classification (germline): Uncertain significance. Review status: criteria provided, multiple submitters, no conflicts (2 of 4 stars). 2 submissions from 2 submitters: Uncertain significance (2). Last evaluated 2025-12-29.

Conditions:
Hereditary cancer-predisposing syndrome. Also called: Tumor predisposition; Hereditary Cancer Syndrome; Neoplastic Syndromes, Hereditary; Hereditary neoplastic syndrome. Identifiers: Orphanet 140162, MedGen C0027672, MeSH D009386, MONDO:0015356.

Submissions (2):

Center for Genomic Medicine, Rigshospitalet, Copenhagen University Hospital
Classification: Uncertain significance. Last evaluated: 2025-12-29. Review status: criteria provided, single submitter. Criteria: ACMG Guidelines, 2015. Collection method: clinical testing. Allele origin: germline.

Ambry Genetics
Classification: Uncertain significance for Hereditary cancer-predisposing syndrome. Last evaluated: 2018-11-08. Review status: criteria provided, single submitter. Criteria: Ambry Variant Classification Scheme 2023. Collection method: clinical testing. Allele origin: germline.
Comment: The p.A288P variant (also known as c.862G>C), located in coding exon 9 of the POLE gene, results from a G to C substitution at nucleotide position 862. The alanine at codon 288 is replaced by proline, an amino acid with highly similar properties. This amino acid position is well conserved in available vertebrate species. In addition, this alteration is predicted to be tolerated by in silico analysis. Since supporting evidence is limited at this time, the clinical significance of this alteration remains unclear.

NM_006231.4(POLE):c.862G>C (p.Ala288Pro)

Gene: POLE (DNA polymerase epsilon, catalytic subunit; minus strand). Cytogenetic location: 12q24.33.
Variant type: single nucleotide variant.
Coding change: c.862G>C on transcript NM_006231.4 (MANE Select); coding-DNA position 862, G replaced by C.
Protein change: p.Ala288Pro; replaces alanine 288 with proline.
Molecular consequence: missense variant.
Genome position (GRCh38, 1-based): chr12:132,676,593, C>G on the plus strand (G>C on the coding strand, the complement: POLE is on the minus strand). VCF-style: chr12-132676593-C-G. GRCh37 (hg19) VCF-style: chr12-133253179-C-G.
Other names: short protein forms A288P.
Identifiers: ClinVar variation 822612 (VCV000822612.7), dbSNP rs1593079445, ClinGen allele CA387364266.